The following is an entry in ClinVar:

ClinVar aggregate classification (germline): Benign. Review status: criteria provided, multiple submitters, no conflicts (2 of 4 stars). 2 submissions from 2 submitters: Benign (2). Last evaluated 2018-01-12.

Conditions:
Familial isolated deficiency of vitamin E (AVED). Also called: ATAXIA, FRIEDREICH-LIKE, WITH SELECTIVE VITAMIN E DEFICIENCY; Ataxia with isolated vitamin E deficiency. Identifiers: Orphanet 96, MedGen C1848533, MONDO:0010188, OMIM 277460.

Allele frequency attached by ClinVar (database versions not stated): gnomAD 0.59276 and 0.59344; TOPMed 0.60305; 1000 Genomes Project 0.67552; 1000 Genomes Project 30x 0.67942.

Submissions (2):

Illumina Laboratory Services, Illumina
Classification: Benign for Familial isolated deficiency of vitamin E. Last evaluated: 2018-01-12. Review status: criteria provided, single submitter. Criteria: ICSL Variant Classification Criteria 13 December 2019. Collection method: clinical testing. Allele origin: germline.
Comment: This variant was observed in the ICSL laboratory as part of a predisposition screen in an ostensibly healthy population. It had not been previously curated by ICSL or reported in the Human Gene Mutation Database (HGMD: prior to June 1st, 2018), and was therefore a candidate for classification through an automated scoring system. Utilizing variant allele frequency, disease prevalence and penetrance estimates, and inheritance mode, an automated score was calculated to assess if this variant is too frequent to cause the disease. Based on the score and internal cut-off values, a variant classified as benign is not then subjected to further curation. The score for this variant resulted in a classification of benign for this disease.

Breakthrough Genomics
Classification: Benign. Review status: criteria provided, single submitter. Criteria: ACMG Guidelines, 2015. Collection method: not provided. Allele origin: germline. Inheritance: Autosomal recessive inheritance. Affected: yes.

NM_000370.3(TTPA):c.*1093G>A

Gene: TTPA (alpha tocopherol transfer protein; minus strand). Cytogenetic location: 8q12.3.
Variant type: single nucleotide variant.
Coding change: c.*1093G>A on transcript NM_000370.3 (MANE Select); 1093 bases downstream of the stop codon, G replaced by A.
Molecular consequence: 3 prime UTR variant.
Genome position (GRCh38, 1-based): chr8:63,060,159, C>T on the plus strand (G>A on the coding strand, the complement: TTPA is on the minus strand). VCF-style: chr8-63060159-C-T. GRCh37 (hg19) VCF-style: chr8-63972718-C-T.
Identifiers: ClinVar variation 363543 (VCV000363543.6), dbSNP rs4587328, ClinGen allele CA10628197.
Genomic context (GRCh38, chr8:63,060,159, plus strand): 5'-CCAGATGTAATTGACAGTAATTTTTTAAAATGTAAACATTTCCTTTCCTTTGTGTAGTTA[C>T]GTTATTGTTAACTAAAAACAGTCCATGTATAAGACAAGTAAGTATGATTCCATCCCTTTC-3'